The following is an entry in ClinVar:

NM_005121.3(MED13):c.977C>T (p.Thr326Ile)

Gene: MED13 (mediator complex subunit 13; minus strand). Cytogenetic location: 17q23.2.
Variant type: single nucleotide variant.
Coding change: c.977C>T on transcript NM_005121.3 (MANE Select); coding-DNA position 977, C replaced by T.
Protein change: p.Thr326Ile; replaces threonine 326 with isoleucine.
Molecular consequence: missense variant.
Genome position (GRCh38, 1-based): chr17:62,031,476, G>A on the plus strand (C>T on the coding strand, the complement: MED13 is on the minus strand). VCF-style: chr17-62031476-G-A. GRCh37 (hg19) VCF-style: chr17-60108837-G-A.
Other names: short protein forms T326I.
Identifiers: ClinVar variation 810681 (VCV000810681.5), dbSNP rs1603405457, ClinGen allele CA400785621.

ClinVar aggregate classification (germline): Pathogenic. Review status: criteria provided, single submitter (1 of 4 stars). 2 submissions from 2 submitters: Pathogenic (1). 1 of the submissions does not count toward it. Last evaluated 2026-02-03.

Conditions:
Intellectual developmental disorder 61. Also called: INTELLECTUAL DEVELOPMENTAL DISORDER, AUTOSOMAL DOMINANT 61; MENTAL RETARDATION, AUTOSOMAL DOMINANT 61. Identifiers: MedGen C5231400, MONDO:0032485, OMIM 618009.

Submissions (2):

GeneDx
Classification: Pathogenic. Last evaluated: 2026-02-03. Review status: criteria provided, single submitter. Criteria: GeneDx Variant Classification Process June 2021. Collection method: clinical testing. Allele origin: germline.
Comment: Reported as a de novo variant with confirmed parentage and an apparently de novo variant in patients with features consistent with MED13-related neurodevelopmental disorder with multiple anomalies in the published literature and referred for genetic testing at GeneDx (PMID: 29740699); Not observed at significant frequency in large population cohorts (gnomAD); In silico analysis supports that this missense variant has a deleterious effect on protein structure/function; This variant is associated with the following publications: (PMID: 35887114, 36087421, 29740699, 38528425)

OMIM
Classification: Pathogenic for INTELLECTUAL DEVELOPMENTAL DISORDER, AUTOSOMAL DOMINANT 61. Last evaluated: 2020-12-14. Review status: no assertion criteria provided. Collection method: literature only. Allele origin: germline. Not counted in ClinVar's aggregate classification.

Literature cited by the submitters: PubMed 29740699 (cited by OMIM).